The following is an entry in ClinVar:

NM_000163.5(GHR):c.292T>G (p.Trp98Gly)

Gene: GHR (growth hormone receptor; plus strand). Cytogenetic location: 5p12.
Variant type: single nucleotide variant.
Coding change: c.292T>G on transcript NM_000163.5 (MANE Select); coding-DNA position 292, T replaced by G.
Protein change: p.Trp98Gly; replaces tryptophan 98 with glycine.
Molecular consequence: missense variant.
Genome position (GRCh38, 1-based): chr5:42,694,942, T>G. VCF-style: chr5-42694942-T-G. GRCh37 (hg19) VCF-style: chr5-42695044-T-G.
Other names: c.313T>G, p.Trp105Gly (NM_001242399.2); c.292T>G, p.Trp98Gly (NM_001242400.2, NM_001242401.4, NM_001242402.2 and 5 more transcripts); c.226T>G, p.Trp76Gly (NM_001242460.2); short protein forms W105G, W76G, W98G.
Identifiers: ClinVar variation 4854071 (VCV004854071.1).

ClinVar aggregate classification (germline): Uncertain significance (1 of 4 stars; one submission).

Conditions:
Laron-type isolated somatotropin defect. Also called: Laron Syndrome; Growth hormone binding protein deficiency or dysfunction; Growth hormone receptor deficiency or dysfunction; Laron dwarfism; Laron type pituitary dwarfism I; GROWTH HORMONE RECEPTOR DEFICIENCY. Identifiers: Orphanet 633, MedGen C0271568, MONDO:0009877, OMIM 262500.

Submission:

3billion
Classification: Uncertain significance for Laron-type isolated somatotropin defect. Last evaluated: 2025-12-08. Review status: criteria provided, single submitter. Criteria: ACMG Guidelines, 2015. Collection method: clinical testing. Allele origin: germline. Affected: yes.
Comment: The variant is not observed in the gnomAD v4.1.0 dataset. Predicted Consequence/Location: Missense variant In silico tool predictions suggest damaging effect of the variant on gene or gene product [REVEL: 0.94 (>=0.6, sensitivity 0.68 and specificity 0.92); 3Cnet: 0.98 (> 0.75, sensitivity 0.96 and precision 0.92)]. Therefore, this variant is classified as VUS according to the recommendation of ACMG/AMP guideline.